The following is an entry in ClinVar:

NM_001754.5(RUNX1):c.391A>G (p.Thr131Ala)

Genes: RUNX1 (RUNX family transcription factor 1; minus strand), RUNX1-AS1 (RUNX1 antisense RNA 1; plus strand). Cytogenetic location: 21q22.12.
Variant type: single nucleotide variant.
Coding change: c.391A>G on transcript NM_001754.5 (MANE Select); coding-DNA position 391, A replaced by G.
Protein change: p.Thr131Ala; replaces threonine 131 with alanine.
Molecular consequence: missense variant.
Genome position (GRCh38, 1-based): chr21:34,880,674, T>C on the plus strand (A>G on the coding strand, the complement: RUNX1 is on the minus strand). VCF-style: chr21-34880674-T-C. GRCh37 (hg19) VCF-style: chr21-36252971-T-C.
Other names: NM_001754.4(RUNX1):c.391A>G; c.310A>G, p.Thr104Ala (NM_001001890.3, NM_001122607.2); short protein forms T131A, T104A.
Identifiers: ClinVar variation 463994 (VCV000463994.11), dbSNP rs1555898641, ClinGen allele CA410202714.

ClinVar aggregate classification (germline): Uncertain significance. Review status: reviewed by expert panel (3 of 4 stars). 3 submissions from 3 submitters: Uncertain significance (1). 2 of the submissions do not count toward it. Last evaluated 2019-07-26.

Conditions:
Hereditary thrombocytopenia and hematological cancer predisposition syndrome associated with RUNX1. Also called: PLATELET DISORDER, ASPIRIN-LIKE; Familial Platelet Disorder with Propensity to Acute Myelogenous Leukemia; Familial thrombocytopenia with propensity to acute myelogenous leukemia; RUNX1 Familial Platelet Disorder with Associated Myeloid Malignancies. Identifiers: Orphanet 71290, MedGen C1832388, MeSH C563324, MONDO:0100083, OMIM 601399.
Inborn genetic diseases. Identifiers: MedGen C0950123, MeSH D030342.

Allele frequency attached by ClinVar (database versions not stated): gnomAD exomes below 0.00001.
gnomAD v4.1: 7 of 1,614,148 alleles (0.00043%); highest among the groups gnomAD compares: Non-Finnish European, 0.00051%; no homozygotes.

Submissions (3):

ClinGen Myeloid Malignancy Variant Curation Expert Panel
Classification: Uncertain significance for Familial platelet disorder with associated myeloid malignancy. Last evaluated: 2019-07-26. Review status: reviewed by expert panel. Criteria: ClinGen MyeloMalig ACMG Specifications v1. Collection method: curation. Allele origin: germline. Inheritance: Autosomal dominant inheritance.
Comment: The NM_001754.4:c.391A>G (p.Thr131Ala) variant affects one of the residues (AA 105-204) within the RHD (PM1_Supporting). This variant is completely absent from all population databases with at least 20x coverage for RUNX1 (PM2). This missense variant has a REVEL score >0.75 (0.942) (PP3). In summary, the clinical significance of this variant is uncertain (VUS). ACMG/AMP criteria applied, as specified by the ClinGen Myeloid Malignancy Variant Curation Expert Panel for RUNX1: PM2, PP3, PM1_supporting.

Ambry Genetics
Classification: Uncertain significance for Inborn genetic diseases. Last evaluated: 2025-07-01. Review status: criteria provided, single submitter. Criteria: Ambry Variant Classification Scheme 2023. Collection method: clinical testing. Allele origin: germline. Not counted in ClinVar's aggregate classification.
Comment: The p.T131A variant (also known as c.391A>G), located in coding exon 4 of the RUNX1 gene, results from an A to G substitution at nucleotide position 391. The threonine at codon 131 is replaced by alanine, an amino acid with similar properties. This amino acid position is highly conserved in available vertebrate species. In addition, this alteration is predicted to be deleterious by in silico analysis. Based on the available evidence, the clinical significance of this variant remains unclear.

Labcorp Genetics (formerly Invitae), Labcorp
Classification: Uncertain significance for Hereditary thrombocytopenia and hematological cancer predisposition syndrome associated with RUNX1. Last evaluated: 2024-02-20. Review status: criteria provided, single submitter. Criteria: Invitae Variant Classification Sherloc (09022015). Collection method: clinical testing. Allele origin: germline. Not counted in ClinVar's aggregate classification.
Comment: This sequence change replaces threonine, which is neutral and polar, with alanine, which is neutral and non-polar, at codon 131 of the RUNX1 protein (p.Thr131Ala). This variant is not present in population databases (gnomAD no frequency). This variant has not been reported in the literature in individuals affected with RUNX1-related conditions. ClinVar contains an entry for this variant (Variation ID: 463994). Advanced modeling of protein sequence and biophysical properties (such as structural, functional, and spatial information, amino acid conservation, physicochemical variation, residue mobility, and thermodynamic stability) has been performed at Invitae for this missense variant, however the output from this modeling did not meet the statistical confidence thresholds required to predict the impact of this variant on RUNX1 protein function. In summary, the available evidence is currently insufficient to determine the role of this variant in disease. Therefore, it has been classified as a Variant of Uncertain Significance.